The following is an entry in ClinVar:

ClinVar aggregate classification (germline): Conflicting classifications of pathogenicity. Review status: criteria provided, conflicting classifications (1 of 4 stars). 7 submissions from 7 submitters: Uncertain significance (4); Likely benign (1). 2 of the submissions do not count toward it. Last evaluated 2026-03-10.

Conditions:
CACNA1C-related disorder. Also called: CACNA1C-related condition; CACNA1C-related disorders. Identifiers: MedGen CN381092, MONDO:0700321.
Long QT syndrome (LQTS). Identifiers: MedGen C0023976, MeSH D008133, MONDO:0002442. Disease mechanism: loss of function. Inheritance: Various modes of inheritance.
Timothy syndrome (TS). Also called: LONG QT SYNDROME WITH SYNDACTYLY. Identifiers: Orphanet 65283, MedGen C1832916, MeSH C536962, MONDO:0010979, OMIM 601005.
Brugada syndrome 3 (BRGDA3). Identifiers: Orphanet 130, MedGen C2678478, MONDO:0012742, OMIM 611875.
Long QT syndrome 8. Identifiers: MedGen CN260585, MONDO:0032756, OMIM 618447.
Cardiovascular phenotype. Identifiers: MedGen CN230736.

Allele frequency attached by ClinVar (database versions not stated): gnomAD exomes 0.00003 and 0.00006; ExAC 0.00006; gnomAD 0.00007 and 0.00008; TOPMed 0.00005.
gnomAD v4.1: 100 of 1,613,040 alleles (0.0062%); highest among the groups gnomAD compares: Non-Finnish European, 0.008%; no homozygotes.

Submissions (7):

PreventionGenetics, part of Exact Sciences
Classification: Uncertain significance for CACNA1C-related condition. Last evaluated: 2026-03-10. Review status: criteria provided, single submitter. Criteria: ACMG Guidelines, 2015. Collection method: clinical testing. Allele origin: germline.
Comment: The CACNA1C c.1753G>A variant is predicted to result in the amino acid substitution p.Val585Met. This variant has been reported as a variant of uncertain significance in a cohort of individuals referred for genetic testing of cardiomyopathy and/or arrhythmia; however, detailed clinical information was not available (Supplement 2, Dellefave-Castillo et al. 2022. PubMed ID: 35947370). This variant has also been reported in an individual with a family history of sudden death (Webster et al. 2019. PubMed ID: 31395126). This variant has been documented in an affected individual who also carried a frameshift variant in the A-band region of TTN protein (Shanks et al. 2018. PubMed ID: 29915097). This variant is reported in 0.0063% of alleles in individuals of European (Non-Finnish) descent in gnomAD. At this time, the clinical significance of this variant is uncertain due to the absence of conclusive functional and genetic evidence.

Labcorp Genetics (formerly Invitae), Labcorp
Classification: Uncertain significance for Long QT syndrome. Last evaluated: 2026-01-26. Review status: criteria provided, single submitter. Criteria: Invitae Variant Classification Sherloc (09022015). Collection method: clinical testing. Allele origin: germline.
Comment: This sequence change replaces valine, which is neutral and non-polar, with methionine, which is neutral and non-polar, at codon 585 of the CACNA1C protein (p.Val585Met). This variant is present in population databases (rs763738559, gnomAD 0.007%). This variant has not been reported in the literature in individuals affected with CACNA1C-related conditions. ClinVar contains an entry for this variant (Variation ID: 519274). Invitae Evidence Modeling of protein sequence and biophysical properties (such as structural, functional, and spatial information, amino acid conservation, physicochemical variation, residue mobility, and thermodynamic stability) indicates that this missense variant is not expected to disrupt CACNA1C protein function with a negative predictive value of 95%. In summary, the available evidence is currently insufficient to determine the role of this variant in disease. Therefore, it has been classified as a Variant of Uncertain Significance.

Ambry Genetics
Classification: Likely benign for Cardiovascular phenotype. Last evaluated: 2022-04-07. Review status: criteria provided, single submitter. Criteria: Ambry Variant Classification Scheme 2023. Collection method: clinical testing. Allele origin: germline.

Fulgent Genetics
Classification: Uncertain significance for Timothy syndrome; Brugada syndrome 3; Long QT syndrome 8. Last evaluated: 2021-08-18. Review status: criteria provided, single submitter. Criteria: ACMG Guidelines, 2015. Collection method: clinical testing. Allele origin: unknown.

GeneDx
Classification: Uncertain significance. Last evaluated: 2020-09-30. Review status: criteria provided, single submitter. Criteria: GeneDx Variant Classification Process June 2021. Collection method: clinical testing. Allele origin: germline. Affected: yes.
Comment: In silico analysis supports that this missense variant does not alter protein structure/function; This variant is associated with the following publications: (PMID: 29915097)

Clinical Genetics DNA and cytogenetics Diagnostics Lab, Erasmus MC, Erasmus Medical Center
Classification: Uncertain significance. Review status: no assertion criteria provided. Collection method: clinical testing. Allele origin: germline. Affected: yes. Study: VKGL Data-share Consensus. Not counted in ClinVar's aggregate classification.

Clinical Genetics, Academic Medical Center
Classification: Uncertain significance. Review status: no assertion criteria provided. Collection method: clinical testing. Allele origin: germline. Affected: yes. Study: VKGL Data-share Consensus. Not counted in ClinVar's aggregate classification.

Literature cited by the submitters: PubMed 29915097 (cited by Ambry Genetics).

NM_000719.7(CACNA1C):c.1753G>A (p.Val585Met)

Gene: CACNA1C (calcium voltage-gated channel subunit alpha1 C; plus strand). Cytogenetic location: 12p13.33.
Variant type: single nucleotide variant.
Coding change: c.1753G>A on transcript NM_000719.7 (MANE Select); coding-DNA position 1753, G replaced by A.
Protein change: p.Val585Met; replaces valine 585 with methionine.
Molecular consequence: missense variant.
Genome position (GRCh38, 1-based): chr12:2,567,652, G>A. VCF-style: chr12-2567652-G-A. GRCh37 (hg19) VCF-style: chr12-2676818-G-A.
Other names: c.1753G>A, p.Val585Met (NM_001129827.2, NM_001129829.2, NM_001129830.3 and 18 more transcripts); c.1744G>A, p.Val582Met (NM_001129844.2); short protein forms V585M, V582M.
Identifiers: ClinVar variation 519274 (VCV000519274.21), dbSNP rs763738559, ClinGen allele CA6388850.
Genomic context (GRCh38, chr12:2,567,652, plus strand): 5'-GCCCTGTTCACGGCAGAGATGCTCCTGAAGATGTACAGCCTGGGCCTGCAGGCCTACTTC[G>A]TGTCCCTCTTCAACCGCTTTGACTGCTTCGTCGTGTGTGGCGGCATCCTGGAGACCATCC-3'
Protein context (NP_000710.5, residues 575-595): MYSLGLQAYF[Val585Met]SLFNRFDCFV